The following is an entry in ClinVar:

NM_015166.4(MLC1):c.525G>C (p.Lys175Asn)

Gene: MLC1 (modulator of VRAC current 1; minus strand). Cytogenetic location: 22q13.33.
Variant type: single nucleotide variant.
Coding change: c.525G>C on transcript NM_015166.4 (MANE Select); coding-DNA position 525, G replaced by C.
Protein change: p.Lys175Asn; replaces lysine 175 with asparagine.
Molecular consequence: missense variant. On other transcripts: non-coding transcript variant (3).
Genome position (GRCh38, 1-based): chr22:50,077,401, C>G on the plus strand (G>C on the coding strand, the complement: MLC1 is on the minus strand). VCF-style: chr22-50077401-C-G. GRCh37 (hg19) VCF-style: chr22-50515830-C-G.
Other names: c.525G>C, p.Lys175Asn (NM_001376472.1, NM_001376473.1, NM_001376474.1 and 6 more transcripts); c.435G>C, p.Lys145Asn (NM_001376480.1); c.423G>C, p.Lys141Asn (NM_001376481.1); c.369G>C, p.Lys123Asn (NM_001376482.1, NM_001376483.1); c.288G>C, p.Lys96Asn (NM_001376484.1); short protein forms K123N, K141N, K145N, K175N, K96N.
Identifiers: ClinVar variation 2629583 (VCV002629583.1), dbSNP rs2062011519, ClinGen allele CA412109593.
Genomic context (GRCh38, chr22:50,077,401, plus strand): 5'-GCTCACCCTGGGGTGATGCCTCTGCACCCCCTGCCCTGCGGGGTCAGAAGCTGCACCCAC[C>G]TTCTTTTTCTTGCAGTCCTCCTCGCTGGACCGTGCAGCGATGATCACCGTGGCCGCCATG-3'
Protein context (NP_055981.1, residues 165-185): RSSEEDCKKK[Lys175Asn]GSMSDSANIL

ClinVar aggregate classification (germline): Uncertain significance (1 of 4 stars; one submission).

Conditions:
MLC1-related disorder. Also called: MLC1-related condition.

Allele frequency attached by ClinVar (database versions not stated): gnomAD 0.00001; TOPMed 0.00001.

Submission:

PreventionGenetics, part of Exact Sciences
Classification: Uncertain significance for MLC1-related condition. Last evaluated: 2023-01-24. Review status: criteria provided, single submitter. Criteria: ACMG Guidelines, 2015. Collection method: clinical testing. Allele origin: germline.
Comment: The MLC1 c.525G>C variant is predicted to result in the amino acid substitution p.Lys175Asn. To our knowledge, this variant has not been reported in the literature or in a large population database, indicating this variant is rare. At this time, the clinical significance of this variant is uncertain due to the absence of conclusive functional and genetic evidence.